The following is an entry in ClinVar:

ClinVar aggregate classification (germline): Pathogenic. Review status: criteria provided, multiple submitters, no conflicts (2 of 4 stars). 2 submissions from 2 submitters: Pathogenic (2). Last evaluated 2024-05-14.

Conditions:
Hermansky-Pudlak syndrome 3 (HPS3). Identifiers: Orphanet 231512, Orphanet 79430, MedGen C3888001, MONDO:0013555, OMIM 614072.

Submissions (2):

Myriad Genetics, Inc.
Classification: Pathogenic for Hermansky-Pudlak syndrome 3. Last evaluated: 2024-05-14. Review status: criteria provided, single submitter. Criteria: Myriad Autosomal Dominant, Autosomal Recessive and X-Linked Classification Criteria (2023). Collection method: clinical testing. Allele origin: unknown.
Comment: NM_032383.3(HPS3):c.2210dupA(P738Afs*20) is expected to be pathogenic in the context of Hermansky-Pudlak syndrome, HPS3-related. This variant is predicted to lead to an abnormal or absent protein product due to the creation of a premature termination codon in HPS3, a gene where loss-of-function variants are known to be pathogenic. Please note: this variant was assessed in the context of healthy population screening.

Labcorp Genetics (formerly Invitae), Labcorp
Classification: Pathogenic. Last evaluated: 2022-07-07. Review status: criteria provided, single submitter. Criteria: Invitae Variant Classification Sherloc (09022015). Collection method: clinical testing. Allele origin: germline.
Comment: This variant is not present in population databases (gnomAD no frequency). For these reasons, this variant has been classified as Pathogenic. ClinVar contains an entry for this variant (Variation ID: 1452133). This variant has not been reported in the literature in individuals affected with HPS3-related conditions. This sequence change creates a premature translational stop signal (p.Pro738Alafs*20) in the HPS3 gene. It is expected to result in an absent or disrupted protein product. Loss-of-function variants in HPS3 are known to be pathogenic (PMID: 11590544).

Literature cited by the submitters: PubMed 11590544 (cited by Labcorp Genetics (formerly Invitae), Labcorp).

NM_032383.5(HPS3):c.2210dup (p.Pro738fs)

Gene: HPS3 (HPS3 biogenesis of lysosomal organelles complex 2 subunit 1; plus strand). Cytogenetic location: 3q24.
Variant type: Duplication.
Coding change: c.2210dup on transcript NM_032383.5 (MANE Select); coding-DNA position 2210, one base duplicated (A; older notation c.2210dupA).
Protein change: p.Pro738fs; shifts the reading frame from proline 738.
Molecular consequence: frameshift variant.
Genome position (GRCh38, 1-based): chr3:149,162,251, A duplicated. VCF-style (leftmost placement, unchanged base first): chr3-149162250-C-CA. GRCh37 (hg19) VCF-style: chr3-148880037-C-CA.
Other names: c.1715dup, p.Pro573fs (NM_001308258.2); short protein forms P573fs, P738fs.
Identifiers: ClinVar variation 1452133 (VCV001452133.7), dbSNP rs2108168417, ClinGen allele CA2573136584.